The following is an entry in ClinVar:

ClinVar aggregate classification (germline): Uncertain significance (1 of 4 stars; one submission).

Conditions:
Developmental and epileptic encephalopathy, 23 (DEE23). Also called: Epileptic encephalopathy, early infantile, 23. Identifiers: Orphanet 411986, MedGen C4014492, MONDO:0014371, OMIM 615859.

gnomAD v4.1: 2 of 1,614,056 alleles (0.00012%); highest among the groups gnomAD compares: South Asian, 0.0011%; no homozygotes.

Submission:

Labcorp Genetics (formerly Invitae), Labcorp
Classification: Uncertain significance for Developmental and epileptic encephalopathy, 23. Last evaluated: 2021-03-28. Review status: criteria provided, single submitter. Criteria: Invitae Variant Classification Sherloc (09022015). Collection method: clinical testing. Allele origin: germline.
Comment: In summary, the available evidence is currently insufficient to determine the role of this variant in disease. Therefore, it has been classified as a Variant of Uncertain Significance. Algorithms developed to predict the effect of missense changes on protein structure and function (SIFT, PolyPhen-2, Align-GVGD) all suggest that this variant is likely to be tolerated, but these predictions have not been confirmed by published functional studies and their clinical significance is uncertain. This variant has not been reported in the literature in individuals with DOCK7-related conditions. This variant is not present in population databases (ExAC no frequency). This sequence change replaces histidine with glutamine at codon 2001 of the DOCK7 protein (p.His2001Gln). The histidine residue is highly conserved and there is a small physicochemical difference between histidine and glutamine.

NM_001367561.1(DOCK7):c.6036T>G (p.His2012Gln)

Gene: DOCK7 (dedicator of cytokinesis 7; minus strand). Cytogenetic location: 1p31.3.
Variant type: single nucleotide variant.
Coding change: c.6036T>G on transcript NM_001367561.1 (MANE Select); coding-DNA position 6036, T replaced by G.
Protein change: p.His2012Gln; replaces histidine 2012 with glutamine.
Molecular consequence: missense variant.
Genome position (GRCh38, 1-based): chr1:62,475,277, A>C on the plus strand (T>G on the coding strand, the complement: DOCK7 is on the minus strand). VCF-style: chr1-62475277-A-C. GRCh37 (hg19) VCF-style: chr1-62940948-A-C.
Other names: c.6003T>G, p.His2001Gln (NM_001271999.2); c.5916T>G, p.His1972Gln (NM_001272000.2); c.5910T>G, p.His1970Gln (NM_001272001.2); c.6009T>G, p.His2003Gln (NM_001330614.2); c.5943T>G, p.His1981Gln (NM_033407.4); short protein forms H2001Q, H1972Q, H2012Q, H1970Q, H1981Q, H2003Q.
Identifiers: ClinVar variation 1520916 (VCV001520916.8), dbSNP rs2149258678, ClinGen allele CA340602255.